The following is an entry in ClinVar:

NM_014822.4(SEC24D):c.1853A>G (p.Tyr618Cys)

Gene: SEC24D (SEC24 homolog D, COPII component; minus strand). Cytogenetic location: 4q26.
Variant type: single nucleotide variant.
Coding change: c.1853A>G on transcript NM_014822.4 (MANE Select); coding-DNA position 1853, A replaced by G.
Protein change: p.Tyr618Cys; replaces tyrosine 618 with cysteine.
Molecular consequence: missense variant.
Genome position (GRCh38, 1-based): chr4:118,744,130, T>C on the plus strand (A>G on the coding strand, the complement: SEC24D is on the minus strand). VCF-style: chr4-118744130-T-C. GRCh37 (hg19) VCF-style: chr4-119665285-T-C.
Other names: c.1853A>G (NM_014822.2); c.1856A>G, p.Tyr619Cys (NM_001318066.2); short protein forms Y619C, Y618C.
Identifiers: ClinVar variation 1390427 (VCV001390427.10), dbSNP rs747269051, ClinGen allele CA3057128.
Genomic context (GRCh38, chr4:118,744,130, plus strand): 5'-GGAAAGAGGAAGAGTGTCACAGAGCAGCCGTGAGCCACGCAGTCCTTGGCCAATGAGTCA[T>C]AGACATTTGTTTGGGGCTGGAAAAGTATCTGGAAAAAAGATGCAAAAAAAAAGAAAAAAT-3'
Protein context (NP_055637.2, residues 608-628): KILFQPQTNV[Tyr618Cys]DSLAKDCVAH

ClinVar aggregate classification (germline): Uncertain significance. Review status: criteria provided, multiple submitters, no conflicts (2 of 4 stars). 3 submissions from 3 submitters: Uncertain significance (3). Last evaluated 2024-10-17.

Conditions:
Inborn genetic diseases. Identifiers: MedGen C0950123, MeSH D030342.

Allele frequency attached by ClinVar (database versions not stated): gnomAD 0.00003 and 0.00004; gnomAD exomes 0.00004 and 0.00007; TOPMed 0.00005; ExAC 0.00006.
gnomAD v4.1: 64 of 1,590,572 alleles (0.004%); highest among the groups gnomAD compares: East Asian, 0.011%; no homozygotes.

Submissions (3):

Labcorp Genetics (formerly Invitae), Labcorp
Classification: Uncertain significance. Last evaluated: 2024-10-17. Review status: criteria provided, single submitter. Criteria: Invitae Variant Classification Sherloc (09022015). Collection method: clinical testing. Allele origin: germline.
Comment: This sequence change replaces tyrosine, which is neutral and polar, with cysteine, which is neutral and slightly polar, at codon 618 of the SEC24D protein (p.Tyr618Cys). This variant is present in population databases (rs747269051, gnomAD 0.03%). This variant has not been reported in the literature in individuals affected with SEC24D-related conditions. ClinVar contains an entry for this variant (Variation ID: 1390427). An algorithm developed to predict the effect of missense changes on protein structure and function (PolyPhen-2) suggests that this variant is likely to be disruptive. In summary, the available evidence is currently insufficient to determine the role of this variant in disease. Therefore, it has been classified as a Variant of Uncertain Significance.

Ambry Genetics
Classification: Uncertain significance for Inborn genetic diseases. Last evaluated: 2023-11-07. Review status: criteria provided, single submitter. Criteria: Ambry Variant Classification Scheme 2023. Collection method: clinical testing. Allele origin: germline.

Blueprint Genetics
Classification: Uncertain significance. Last evaluated: 2022-09-02. Review status: criteria provided, single submitter. Criteria: ACMG Guidelines, 2015. Collection method: clinical testing. Allele origin: germline.